The following is an entry in ClinVar:

NM_000346.4(SOX9):c.1072_1083dup (p.Gln361_Pro362insAlaProProGln)

Gene: SOX9 (SRY-box transcription factor 9; plus strand). Cytogenetic location: 17q24.3.
Variant type: Duplication.
Coding change: c.1072_1083dup on transcript NM_000346.4 (MANE Select); coding-DNA positions 1072 to 1083, 12 bases duplicated (GCGCCCCCGCAG).
Protein change: p.Gln361_Pro362insAlaProProGln.
Molecular consequence: inframe insertion.
Genome position (GRCh38, 1-based): chr17:72,123,929-72,123,940, GCGCCCCCGCAG duplicated; duplicating any 12 consecutive bases within chr17:72,123,921-72,123,940 gives the same sequence; the c. name uses the placement nearest the transcript's 3' end. VCF-style (leftmost placement, unchanged base first): chr17-72123920-G-GCCCCGCAGGCGC. GRCh37 (hg19) VCF-style: chr17-70120061-G-GCCCCGCAGGCGC.
Identifiers: ClinVar variation 2148943 (VCV002148943.4), dbSNP rs1567911418, ClinGen allele CA627589959.

ClinVar aggregate classification (germline): Uncertain significance (1 of 4 stars; one submission).

Conditions:
Camptomelic dysplasia (CMPD). Also called: Campomelic Dysplasia; CMPD1/SRA1. Identifiers: Orphanet 140, MedGen C1861922, MONDO:0007251, OMIM 114290.

Submission:

Labcorp Genetics (formerly Invitae), Labcorp
Classification: Uncertain significance for Camptomelic dysplasia. Last evaluated: 2025-11-23. Review status: criteria provided, single submitter. Criteria: Invitae Variant Classification Sherloc (09022015). Collection method: clinical testing. Allele origin: germline.
Comment: This variant, c.1072_1083dup, results in the insertion of 4 amino acid(s) of the SOX9 protein (p.Ala358_Gln361dup), but otherwise preserves the integrity of the reading frame. This variant is present in population databases (no rsID available, gnomAD 0.007%). This variant has not been reported in the literature in individuals affected with SOX9-related conditions. ClinVar contains an entry for this variant (Variation ID: 2148943). In summary, the available evidence is currently insufficient to determine the role of this variant in disease. Therefore, it has been classified as a Variant of Uncertain Significance.